The following is an entry in ClinVar:

ClinVar aggregate classification (germline): Benign. Review status: criteria provided, single submitter (1 of 4 stars). 2 submissions from 1 submitter: Benign (2). Last evaluated 2018-01-13.

Conditions:
Junctional epidermolysis bullosa gravis of Herlitz. Also called: EPIDERMOLYSIS BULLOSA JUNCTIONALIS, HERLITZ TYPE; EPIDERMOLYSIS BULLOSA, JUNCTIONAL, HERLITZ-PEARSON TYPE; JEB-HERLITZ TYPE; Epidermolysis Bullosa Letalis; Herlitz-type junctional epidermolysis bullosa; EPIDERMOLYSIS BULLOSA, JUNCTIONAL 1B, SEVERE. Identifiers: Orphanet 79404, MedGen C0079683, MONDO:0009182, OMIM 226700.
Laryngo-onycho-cutaneous syndrome (JEB2C). Also called: LOGIC SYNDROME; EPIDERMOLYSIS BULLOSA, JUNCTIONAL 2C, LARYNGOONYCHOCUTANEOUS; SHABBIR SYNDROME. Identifiers: Orphanet 2407, MedGen C1328355, MONDO:0009513, OMIM 245660.

Allele frequency attached by ClinVar (database versions not stated): gnomAD exomes 0.00254; gnomAD 0.00519 and 0.00528; 1000 Genomes Project 0.00679; 1000 Genomes Project 30x 0.00874; TOPMed 0.00934.
gnomAD v4.1: 1,098 of 267,062 alleles (0.41%); highest among the groups gnomAD compares: Admixed American, 5.2%; 32 homozygotes.

Submissions (2):

Illumina Laboratory Services, Illumina
Classification: Benign for Laryngo-onycho-cutaneous syndrome. Last evaluated: 2018-01-13. Review status: criteria provided, single submitter. Criteria: ICSL Variant Classification Criteria 13 December 2019. Collection method: clinical testing. Allele origin: germline.
Comment: This variant was observed in the ICSL laboratory as part of a predisposition screen in an ostensibly healthy population. It had not been previously curated by ICSL or reported in the Human Gene Mutation Database (HGMD: prior to June 1st, 2018), and was therefore a candidate for classification through an automated scoring system. Utilizing variant allele frequency, disease prevalence and penetrance estimates, and inheritance mode, an automated score was calculated to assess if this variant is too frequent to cause the disease. Based on the score and internal cut-off values, a variant classified as benign is not then subjected to further curation. The score for this variant resulted in a classification of benign for this disease.

Illumina Laboratory Services, Illumina
Classification: Benign for Junctional epidermolysis bullosa gravis of Herlitz. Last evaluated: 2018-01-13. Review status: criteria provided, single submitter. Criteria: ICSL Variant Classification Criteria 13 December 2019. Collection method: clinical testing. Allele origin: germline.
Comment: the same text as in the submission from Illumina Laboratory Services, Illumina above.

NM_198129.4(LAMA3):c.*395A>T

Gene: LAMA3 (laminin subunit alpha 3; plus strand). Cytogenetic location: 18q11.2.
Variant type: single nucleotide variant.
Coding change: c.*395A>T on transcript NM_198129.4 (MANE Select); 395 bases downstream of the stop codon, A replaced by T.
Molecular consequence: 3 prime UTR variant.
Genome position (GRCh38, 1-based): chr18:23,955,043, A>T. VCF-style: chr18-23955043-A-T. GRCh37 (hg19) VCF-style: chr18-21535007-A-T.
Other names: c.*395A>T (NM_000227.6, NM_001127717.4, NM_001127718.4).
Identifiers: ClinVar variation 326357 (VCV000326357.5), dbSNP rs138907590, ClinGen allele CA10651450.